The following is an entry in ClinVar:

NM_199242.3(UNC13D):c.761G>A (p.Arg254His)

Gene: UNC13D (unc-13 homolog D; minus strand). Cytogenetic location: 17q25.1.
Variant type: single nucleotide variant.
Coding change: c.761G>A on transcript NM_199242.3 (MANE Select); coding-DNA position 761, G replaced by A.
Protein change: p.Arg254His; replaces arginine 254 with histidine.
Molecular consequence: missense variant.
Genome position (GRCh38, 1-based): chr17:75,840,322, C>T on the plus strand (G>A on the coding strand, the complement: UNC13D is on the minus strand). VCF-style: chr17-75840322-C-T. GRCh37 (hg19) VCF-style: chr17-73836403-C-T.
Other names: short protein forms R254H.
Identifiers: ClinVar variation 2154003 (VCV002154003.1), dbSNP rs774176637, ClinGen allele CA8773279.

ClinVar aggregate classification (germline): Uncertain significance (1 of 4 stars; one submission).

Conditions:
Familial hemophagocytic lymphohistiocytosis 3 (FHL3). Also called: UNC13D-Related Familial Hemophagocytic Lymphohistiocytosis (UNC13D-fHLH). Identifiers: Orphanet 540, MedGen C1837174, MONDO:0012146, OMIM 608898.

Allele frequency attached by ClinVar (database versions not stated): TOPMed below 0.00001; ExAC 0.00001; gnomAD exomes 0.00001.
gnomAD v4.1: 8 of 1,613,622 alleles (0.0005%); highest among the groups gnomAD compares: East Asian, 0.0022%; no homozygotes.

Submission:

Labcorp Genetics (formerly Invitae), Labcorp
Classification: Uncertain significance for Familial hemophagocytic lymphohistiocytosis 3. Last evaluated: 2022-04-04. Review status: criteria provided, single submitter. Criteria: Invitae Variant Classification Sherloc (09022015). Collection method: clinical testing. Allele origin: germline.
Comment: This sequence change replaces arginine, which is basic and polar, with histidine, which is basic and polar, at codon 254 of the UNC13D protein (p.Arg254His). The frequency data for this variant in the population databases is considered unreliable, as metrics indicate poor data quality at this position in the gnomAD database. This variant has not been reported in the literature in individuals affected with UNC13D-related conditions. Algorithms developed to predict the effect of missense changes on protein structure and function output the following: SIFT: "Not Available"; PolyPhen-2: "Benign"; Align-GVGD: "Not Available". The histidine amino acid residue is found in multiple mammalian species, which suggests that this missense change does not adversely affect protein function. In summary, the available evidence is currently insufficient to determine the role of this variant in disease. Therefore, it has been classified as a Variant of Uncertain Significance.